The following is an entry in ClinVar:

ClinVar aggregate classification (germline): Uncertain significance (1 of 4 stars; one submission).

Conditions:
Neurofibromatosis, type 1 (NF1). Also called: Neurofibromatosis, type I; VON RECKLINGHAUSEN DISEASE; Peripheral type neurofibromatosis; NEUROFIBROMATOSIS, TYPE I, SOMATIC. Identifiers: Orphanet 636, MedGen C0027831, MONDO:0018975, OMIM 162200. Disease mechanism: loss of function.

Submission:

Labcorp Genetics (formerly Invitae), Labcorp
Classification: Uncertain significance for Neurofibromatosis, type 1. Last evaluated: 2019-02-13. Review status: criteria provided, single submitter. Criteria: Invitae Variant Classification Sherloc (09022015). Collection method: clinical testing. Allele origin: germline.
Comment: In summary, the available evidence is currently insufficient to determine the role of this variant in disease. Therefore, it has been classified as a Variant of Uncertain Significance. Algorithms developed to predict the effect of missense changes on protein structure and function are either unavailable or do not agree on the potential impact of this missense change (SIFT: "Tolerated"; PolyPhen-2: "Probably Damaging"; Align-GVGD: "Class C0"). This variant has not been reported in the literature in individuals with NF1-related conditions. This variant is not present in population databases (ExAC no frequency). This sequence change replaces alanine with glycine at codon 2276 of the NF1 protein (p.Ala2276Gly). The alanine residue is moderately conserved and there is a small physicochemical difference between alanine and glycine.

NM_001042492.3(NF1):c.6890C>G (p.Ala2297Gly)

Gene: NF1 (neurofibromin 1; plus strand). Cytogenetic location: 17q11.2.
Variant type: single nucleotide variant.
Coding change: c.6890C>G on transcript NM_001042492.3 (MANE Select); coding-DNA position 6890, C replaced by G.
Protein change: p.Ala2297Gly; replaces alanine 2297 with glycine.
Molecular consequence: missense variant.
Genome position (GRCh38, 1-based): chr17:31,338,774, C>G. VCF-style: chr17-31338774-C-G. GRCh37 (hg19) VCF-style: chr17-29665792-C-G.
Other names: c.6827C>G, p.Ala2276Gly (NM_000267.4); short protein forms A2297G, A2276G.
Identifiers: ClinVar variation 859564 (VCV000859564.6), dbSNP rs2069744965, ClinGen allele CA399014393.